The following is an entry in ClinVar:

NM_001384156.1(PCBP3):c.804G>A (p.Lys268=)

Gene: PCBP3 (poly(rC) binding protein 3; plus strand). Cytogenetic location: 21q22.3.
Variant type: single nucleotide variant.
Coding change: c.804G>A on transcript NM_001384156.1 (MANE Select); coding-DNA position 804, G replaced by A.
Protein change: p.Lys268=; no amino-acid change (lysine 268 retained).
Molecular consequence: synonymous variant. On other transcripts: non-coding transcript variant (1), intron variant (3).
Genome position (GRCh38, 1-based): chr21:45,930,793, G>A. VCF-style: chr21-45930793-G-A. GRCh37 (hg19) VCF-style: chr21-47350707-G-A.
Other names: c.726G>A, p.Lys242= (NM_001130141.2); c.801G>A, p.Lys267= (NM_001348238.2, NM_001382278.1); c.870G>A, p.Lys290= (NM_001348239.2); c.873G>A, p.Lys291= (NM_001348240.2, NM_001382279.1); c.837G>A, p.Lys279= (NM_001348241.2); c.708G>A, p.Lys236= (NM_001348242.2, NM_001382276.1); c.804G>A, p.Lys268= (NM_001382277.1, NM_001382281.1, NM_001382282.1 and 7 more transcripts); c.793+798G>A (NM_001348243.2); and 2 more.
Identifiers: ClinVar variation 3050353 (VCV003050353.2), dbSNP rs148366893, ClinGen allele CA10069222.

ClinVar aggregate classification (germline): Likely benign (0 of 4 stars; one submission).

Conditions:
PCBP3-related disorder. Also called: PCBP3-related condition.

Allele frequency attached by ClinVar (database versions not stated): 1000 Genomes Project 0.00100; ExAC 0.00100; 1000 Genomes Project 30x 0.00125; gnomAD 0.00131; TOPMed 0.00144; ESP Exome Variant Server 0.00204.
gnomAD v4.1: 2,223 of 1,372,870 alleles (0.16%); highest among the groups gnomAD compares: Non-Finnish European, 0.21%; 6 homozygotes.

Submission:

PreventionGenetics, part of Exact Sciences
Classification: Likely benign for PCBP3-related condition. Last evaluated: 2019-11-25. Review status: no assertion criteria provided. Collection method: clinical testing. Allele origin: germline.
Comment: This variant is classified as likely benign based on ACMG/AMP sequence variant interpretation guidelines (Richards et al. 2015 PMID: 25741868, with internal and published modifications).